The following is an entry in ClinVar:

Single allele

Variant type: Variation.
Identifiers: ClinVar variation 65978 (VCV000065978.2).

ClinVar aggregate classification (germline): Pathogenic (0 of 4 stars; one submission).

Conditions:
Central core myopathy (CMYO1A). Also called: Central core disease; Myopathy, central fibrillar; CONGENITAL MYOPATHY 1A, AUTOSOMAL DOMINANT, WITH SUSCEPTIBILITY TO MALIGNANT HYPERTHERMIA. Identifiers: Orphanet 597, MedGen C5830701, MONDO:0007294, OMIM 117000.

Submission:

GeneReviews
Classification: Pathogenic for Central Core Disease. Last evaluated: 2010-05-11. Review status: no assertion criteria provided. Collection method: curation. Allele origin: unknown.
ClinVar note: Converted during submission from pathologic to Pathogenic.